The following is an entry in ClinVar:

ClinVar aggregate classification (germline): Uncertain significance (1 of 4 stars; one submission).

gnomAD v4.1: 44 of 1,573,548 alleles (0.0028%); highest among the groups gnomAD compares: Admixed American, 0.072%; no homozygotes.

Submission:

Labcorp Genetics (formerly Invitae), Labcorp
Classification: Uncertain significance. Last evaluated: 2025-12-25. Review status: criteria provided, single submitter. Criteria: Invitae Variant Classification Sherloc (09022015). Collection method: clinical testing. Allele origin: germline.
Comment: This sequence change affects codon 117 of the CLCN2 mRNA. It is a 'silent' change, meaning that it does not change the encoded amino acid sequence of the CLCN2 protein. It affects a nucleotide within the consensus splice site. This variant is present in population databases (rs761816434, gnomAD 0.06%). This variant has not been reported in the literature in individuals affected with CLCN2-related conditions. Algorithms developed to predict the effect of sequence changes on RNA splicing suggest that this variant may disrupt the consensus splice site. In summary, the available evidence is currently insufficient to determine the role of this variant in disease. Therefore, it has been classified as a Variant of Uncertain Significance.

NM_004366.6(CLCN2):c.351A>G (p.Gln117=)

Gene: CLCN2 (chloride voltage-gated channel 2; minus strand). Cytogenetic location: 3q27.1.
Variant type: single nucleotide variant.
Coding change: c.351A>G on transcript NM_004366.6 (MANE Select); coding-DNA position 351, A replaced by G.
Protein change: p.Gln117=; no amino-acid change (glutamine 117 retained).
Molecular consequence: synonymous variant. On other transcripts: intron variant (1).
Genome position (GRCh38, 1-based): chr3:184,358,683, T>C on the plus strand (A>G on the coding strand, the complement: CLCN2 is on the minus strand). VCF-style: chr3-184358683-T-C. GRCh37 (hg19) VCF-style: chr3-184076471-T-C.
Other names: c.351A>G, p.Gln117= (NM_001171087.3, NM_001171089.3); c.220+292A>G (NM_001171088.3).
Identifiers: ClinVar variation 4750909 (VCV004750909.1).